The following is an entry in ClinVar:

ClinVar aggregate classification (germline): Likely benign (1 of 4 stars; one submission).

Allele frequency attached by ClinVar (database versions not stated): gnomAD 0.00002 and 0.00003; gnomAD exomes 0.00002; TOPMed 0.00004; ExAC 0.00009.
gnomAD v4.1: 31 of 1,545,296 alleles (0.002%); highest among the groups gnomAD compares: Middle Eastern, 0.022%; no homozygotes.

Submission:

CeGaT Center for Human Genetics Tuebingen
Classification: Likely benign. Last evaluated: 2022-04-01. Review status: criteria provided, single submitter. Criteria: CeGaT Center For Human Genetics Tuebingen Variant Classification Criteria Version 2. Collection method: clinical testing. Allele origin: germline. Affected: yes. Observed: 1 variant allele.
Comment: KDM4B: BP4, BS2

NM_015015.3(KDM4B):c.1315+8C>T

Gene: KDM4B (lysine demethylase 4B; plus strand). Cytogenetic location: 19p13.3.
Variant type: single nucleotide variant.
Coding change: c.1315+8C>T on transcript NM_015015.3 (MANE Select); 8 bases into the intron after coding-DNA position 1315, C replaced by T.
Molecular consequence: intron variant.
Genome position (GRCh38, 1-based): chr19:5,119,860, C>T. VCF-style: chr19-5119860-C-T. GRCh37 (hg19) VCF-style: chr19-5119871-C-T.
Identifiers: ClinVar variation 1694884 (VCV001694884.31), dbSNP rs780139122, ClinGen allele CA9107786.
Genomic context (GRCh38, chr19:5,119,860, plus strand): 5'-GGAGGAGGAGCCGCAGCCACTGCCACACGGCCGGGAGGCCGAGGGCGCAGAAGGTCAGTC[C>T]CTGCCGGGCCAGGCCTGGCACCGCTGTTTTCCCACCCCCGTGGGCATCTCCTAGAAGGAA-3'